The following is an entry in ClinVar:

ClinVar aggregate classification (germline): Uncertain significance. Review status: criteria provided, multiple submitters, no conflicts (2 of 4 stars). 2 submissions from 2 submitters: Uncertain significance (2). Last evaluated 2024-10-24.

Allele frequency attached by ClinVar (database versions not stated): gnomAD 0.00001; gnomAD exomes 0.00001; TOPMed 0.00001.
gnomAD v4.1: 10 of 1,602,272 alleles (0.00062%); highest among the groups gnomAD compares: Middle Eastern, 0.016%; no homozygotes.

Submissions (2):

Labcorp Genetics (formerly Invitae), Labcorp
Classification: Uncertain significance. Last evaluated: 2024-10-24. Review status: criteria provided, single submitter. Criteria: Invitae Variant Classification Sherloc (09022015). Collection method: clinical testing. Allele origin: germline.
Comment: This sequence change replaces threonine, which is neutral and polar, with methionine, which is neutral and non-polar, at codon 794 of the PLEKHM2 protein (p.Thr794Met). The frequency data for this variant in the population databases is considered unreliable, as metrics indicate poor data quality at this position in the gnomAD database. This variant has not been reported in the literature in individuals affected with PLEKHM2-related conditions. ClinVar contains an entry for this variant (Variation ID: 2051388). An algorithm developed to predict the effect of missense changes on protein structure and function (PolyPhen-2) suggests that this variant is likely to be disruptive. In summary, the available evidence is currently insufficient to determine the role of this variant in disease. Therefore, it has been classified as a Variant of Uncertain Significance.

Ambry Genetics
Classification: Uncertain significance. Last evaluated: 2023-07-30. Review status: criteria provided, single submitter. Criteria: Ambry Variant Classification Scheme 2023. Collection method: clinical testing. Allele origin: germline.

NM_015164.4(PLEKHM2):c.2381C>T (p.Thr794Met)

Gene: PLEKHM2 (pleckstrin homology and RUN domain containing M2; plus strand). Cytogenetic location: 1p36.21.
Variant type: single nucleotide variant.
Coding change: c.2381C>T on transcript NM_015164.4 (MANE Select); coding-DNA position 2381, C replaced by T.
Protein change: p.Thr794Met; replaces threonine 794 with methionine.
Molecular consequence: missense variant.
Genome position (GRCh38, 1-based): chr1:15,730,704, C>T. VCF-style: chr1-15730704-C-T. GRCh37 (hg19) VCF-style: chr1-16057199-C-T.
Other names: c.2321C>T, p.Thr774Met (NM_001410755.1); c.2381C>T (NM_015164.2); short protein forms T774M, T794M.
Identifiers: ClinVar variation 2051388 (VCV002051388.6), dbSNP rs1038194908, ClinGen allele CA18267807.